The following is an entry in ClinVar:

NM_020366.4(RPGRIP1):c.2551G>A (p.Ala851Thr)

Gene: RPGRIP1 (RPGR interacting protein 1; plus strand). Cytogenetic location: 14q11.2.
Variant type: single nucleotide variant.
Coding change: c.2551G>A on transcript NM_020366.4 (MANE Select); coding-DNA position 2551, G replaced by A.
Protein change: p.Ala851Thr; replaces alanine 851 with threonine.
Molecular consequence: missense variant. On other transcripts: intron variant (4).
Genome position (GRCh38, 1-based): chr14:21,326,014, G>A. VCF-style: chr14-21326014-G-A. GRCh37 (hg19) VCF-style: chr14-21794173-G-A.
Other names: c.1477G>A, p.Ala493Thr (NM_001377948.1); c.796+1289G>A (NM_001377949.1); c.689-1609G>A (NM_001377523.1, NM_001377950.1); c.191-1609G>A (NM_001377951.1); short protein forms A493T, A851T.
Identifiers: ClinVar variation 2153817 (VCV002153817.4), dbSNP rs2502825967, ClinGen allele CA388869327.

ClinVar aggregate classification (germline): Uncertain significance (1 of 4 stars; one submission).

Conditions:
Cone-rod dystrophy 13 (CORD13). Identifiers: Orphanet 1872, MedGen C2750720, MONDO:0011987, OMIM 608194.
Leber congenital amaurosis 6 (LCA6). Identifiers: Orphanet 65, MedGen C1854260, MONDO:0013446, OMIM 613826.

Allele frequency attached by ClinVar (database versions not stated): gnomAD exomes below 0.00001.
gnomAD v4.1: 1 of 1,613,976 alleles (0.000062%); highest among the groups gnomAD compares: Admixed American, 0.0017%; no homozygotes.

Submission:

Labcorp Genetics (formerly Invitae), Labcorp
Classification: Uncertain significance for Leber congenital amaurosis 6; Cone-rod dystrophy 13. Last evaluated: 2022-07-05. Review status: criteria provided, single submitter. Criteria: Invitae Variant Classification Sherloc (09022015). Collection method: clinical testing. Allele origin: germline.
Comment: This variant is not present in population databases (gnomAD no frequency). This sequence change replaces alanine, which is neutral and non-polar, with threonine, which is neutral and polar, at codon 851 of the RPGRIP1 protein (p.Ala851Thr). This variant has not been reported in the literature in individuals affected with RPGRIP1-related conditions. Algorithms developed to predict the effect of missense changes on protein structure and function are either unavailable or do not agree on the potential impact of this missense change (SIFT: "Tolerated"; PolyPhen-2: "Possibly Damaging"; Align-GVGD: "Class C0"). In summary, the available evidence is currently insufficient to determine the role of this variant in disease. Therefore, it has been classified as a Variant of Uncertain Significance.